The following is an entry in ClinVar:

NM_002693.3(POLG):c.2246T>C (p.Phe749Ser)

Gene: POLG (DNA polymerase gamma, catalytic subunit; minus strand). Cytogenetic location: 15q26.1.
Variant type: single nucleotide variant.
Coding change: c.2246T>C on transcript NM_002693.3 (MANE Select); coding-DNA position 2246, T replaced by C.
Protein change: p.Phe749Ser; replaces phenylalanine 749 with serine.
Molecular consequence: missense variant.
Genome position (GRCh38, 1-based): chr15:89,323,423, A>G on the plus strand (T>C on the coding strand, the complement: POLG is on the minus strand). VCF-style: chr15-89323423-A-G. GRCh37 (hg19) VCF-style: chr15-89866654-A-G.
Other names: p.F749S:TTT>TCT; c.2246T>C, p.Phe749Ser (NM_001126131.2); short protein forms F749S.
Identifiers: ClinVar variation 206520 (VCV000206520.44), dbSNP rs202037973, ClinGen allele CA316685.

ClinVar aggregate classification (germline): Conflicting classifications of pathogenicity. Review status: criteria provided, conflicting classifications (1 of 4 stars). 17 submissions from 17 submitters: Pathogenic (6); Likely pathogenic (10); Uncertain significance (1). Last evaluated 2026-09-17.

Conditions:
POLG-related disorder. Also called: POLG-related condition; POLG-Related Disorders; POLG-Related Spectrum Disorders. Identifiers: MedGen C4763519.
Autosomal recessive POLG-related disorders.
Progressive sclerosing poliodystrophy (MTDPS4A). Also called: Mitochondrial DNA depletion syndrome 4A (Alpers type); Alpers Syndrome; NEURONAL DEGENERATION OF CHILDHOOD WITH LIVER DISEASE, PROGRESSIVE; ALPERS PROGRESSIVE INFANTILE POLIODYSTROPHY; ALPERS DIFFUSE DEGENERATION OF CEREBRAL GRAY MATTER WITH HEPATIC CIRRHOSIS; Alpers-Huttenlocher Syndrome. Identifiers: Orphanet 726, MedGen C0205710, MONDO:0008758, OMIM 203700.
Progressive external ophthalmoplegia with mitochondrial DNA deletions, autosomal recessive 1 (PEOB1). Also called: Progressive external ophthalmoplegia, autosomal recessive 1; Autosomal Recessive Progressive External Ophthalmoplegia (arPEO). Identifiers: Orphanet 254886, MedGen C4225153, MONDO:0009783, OMIM 258450.
Mitochondrial DNA depletion syndrome 4b. Also called: Mitochondrial Neurogastrointestinal Encephalopathy Disease, POLG-Related; MNGIE, POLG-RELATED. Identifiers: Orphanet 298, MedGen C3150914, MONDO:0013350, OMIM 613662.
Sensory ataxic neuropathy, dysarthria, and ophthalmoparesis (SANDO). Also called: Epilepsy, progressive myoclonic, type 5; SENSORY ATAXIC NEUROPATHY WITH MITOCHONDRIAL DNA DELETIONS, AUTOSOMAL RECESSIVE; Ataxia Neuropathy Spectrum (ANS); Sensory ataxic neuropathy-dysarthria-ophthalmoparesis syndrome. Identifiers: Orphanet 70595, MedGen C1843851, MONDO:0011835, OMIM 607459.
Inborn genetic diseases. Identifiers: MedGen C0950123, MeSH D030342.
Progressive external ophthalmoplegia with mitochondrial DNA deletions, autosomal dominant 1 (PEOA1). Also called: PROGRESSIVE EXTERNAL OPHTHALMOPLEGIA, AUTOSOMAL DOMINANT 1; Autosomal Dominant Progressive External Ophthalmoplegia (adPEO). Identifiers: MedGen C1834846, MONDO:0024528, OMIM 157640.

Allele frequency attached by ClinVar (database versions not stated): gnomAD exomes 0.00002 and 0.00004; ExAC 0.00006; TOPMed 0.00020; ESP Exome Variant Server 0.00023; gnomAD 0.00024 and 0.00025; 1000 Genomes Project 0.00060; 1000 Genomes Project 30x 0.00062.
gnomAD v4.1: 76 of 1,612,708 alleles (0.0047%); highest among the groups gnomAD compares: African/African-American, 0.091%; no homozygotes.

Submissions 1 to 8 of 17:

GeneDx
Classification: Likely pathogenic. Last evaluated: 2026-09-17. Review status: criteria provided, single submitter. Criteria: GeneDx Variant Classification Process June 2021. Collection method: clinical testing. Allele origin: germline.
Comment: In silico analysis supports that this missense variant has a deleterious effect on protein structure/function; This variant is associated with the following publications: (PMID: 17538929, 21824913, 23446635, 32347949, 34777884, 21670405, 17280874, 21880868, 16545482, 18716558, 21953457, 19195941, 24642831, Alghtani_Article, 28206745, 35289132, 36510129, 38845467, 32391929, 17682973, 35292633, 41038821)

PreventionGenetics, part of Exact Sciences
Classification: Likely pathogenic for POLG-related condition. Last evaluated: 2026-08-01. Review status: criteria provided, single submitter. Criteria: ACMG Guidelines, 2015. Collection method: clinical testing. Allele origin: germline.
Comment: The POLG c.2246T>C variant is predicted to result in the amino acid substitution p.Phe749Ser. This variant has previously been reported in the compound heterozygous state in patients who presented with POLG-associated disorders, including Alpers syndrome, progressive external ophthalmoplegia (PEO), and intractable seizures (Nguyen et al. 2006. PubMed ID: 16545482; Zsurka et al. 2008. PubMed ID: 18716558; Milone et al. 2011. PubMed ID: 21670405; Tang et al. 2011. PubMed ID: 21880868). This variant was also reported, along with a second potentially causative variant in the same gene, in an individual with Alpers syndrome (Table S1, Hikmat et al. 2017. PubMed ID: 28865037). This variant is reported in 0.068% of alleles in individuals of African descent in gnomAD. This variant is interpreted as likely pathogenic for autosomal recessive POLG-related disease.

Labcorp Genetics (formerly Invitae), Labcorp
Classification: Pathogenic for Progressive sclerosing poliodystrophy. Last evaluated: 2026-01-21. Review status: criteria provided, single submitter. Criteria: Invitae Variant Classification Sherloc (09022015). Collection method: clinical testing. Allele origin: germline.
Comment: This sequence change replaces phenylalanine, which is neutral and non-polar, with serine, which is neutral and polar, at codon 749 of the POLG protein (p.Phe749Ser). This variant is present in population databases (rs202037973, gnomAD 0.07%). This missense change has been observed in individuals with Alpers syndrome, autosomal recessive progressive external ophthalmoplegia, and/or seizures (PMID: 16545482, 18716558, 21670405, 21880868, 28865037). ClinVar contains an entry for this variant (Variation ID: 206520). Invitae Evidence Modeling of protein sequence and biophysical properties (such as structural, functional, and spatial information, amino acid conservation, physicochemical variation, residue mobility, and thermodynamic stability) indicates that this missense variant is expected to disrupt POLG protein function with a positive predictive value of 95%. For these reasons, this variant has been classified as Pathogenic.

Variantyx, Inc.
Classification: Likely pathogenic for Autosomal recessive POLG-related disorders. Last evaluated: 2025-09-05. Review status: criteria provided, single submitter. Criteria: Variantyx Assertion Criteria 2022. Collection method: clinical testing. Allele origin: germline. Inheritance: Autosomal recessive inheritance.
Comment: This is a nonsynonymous variant in the POLG gene (OMIM: 174763). Pathogenic variants in this gene have been associated with autosomal recessive POLG-related disorders. Multiple computational algorithms predict a deleterious effect for this variant (REVEL score: 0.959) (PP3), and an alternate amino acid change at this position (p.Phe749Val,) has been previously reported in similarly affected individuals, which suggests that this residue may be biologically important. This variant has a 0.0907% maximum allele frequency in non-founder control populations. Based on the current evidence, this variant is classified as likely pathogenic for autosomal recessive POLG-related disorders.

Women's Health and Genetics/Laboratory Corporation of America, LabCorp
Classification: Pathogenic for POLG-related disorder. Last evaluated: 2025-08-27. Review status: criteria provided, single submitter. Criteria: LabCorp Variant Classification Summary - May 2015. Collection method: clinical testing. Allele origin: germline.
Comment: Variant summary: POLG c.2246T>C (p.Phe749Ser) results in a non-conservative amino acid change in the encoded protein sequence. Algorithms developed to predict the effect of missense changes on protein structure and function all suggest that this variant is likely to be disruptive. The variant allele was found at a frequency of 4.4e-05 in 251288 control chromosomes. This frequency is not significantly higher than estimated for disease-causing variants in POLG, allowing no conclusion about variant significance. c.2246T>C has been reported in multiple compound heterozygous individuals carrying additional pathogenic variants affected with clinical features of POLG-related disorders (Tang_2011, Milone_2011, Zsurka_2008), including reduced mitochondrial enzyme activity (Zsurska_2008), and in Alpers syndrome (Hikmat_2017, Nguyen_2006). These data indicate that the variant is very likely to be associated with disease. Two publications report predictive evidence evaluating an impact on protein function (Euro_2011, Zsurska_2008), however, none of these studies allows convincing conclusions about the variant effect. The following publications have been ascertained in the context of this evaluation (PMID: 21880868, 20220442, 21824913, 28865037, 16545482, 18716558). ClinVar contains an entry for this variant (Variation ID: 206520). Based on the evidence outlined above, the variant was classified as pathogenic.

First Genomix Gene Laboratory, Genetic Diagnostics Department
Classification: Pathogenic for Progressive sclerosing poliodystrophy; Mitochondrial DNA depletion syndrome 4b; Sensory ataxic neuropathy, dysarthria, and ophthalmoparesis; Progressive external ophthalmoplegia with mitochondrial DNA deletions, autosomal recessive 1. Last evaluated: 2024-12-23. Review status: criteria provided, single submitter. Criteria: ACMG Guidelines, 2015. Collection method: clinical testing. Allele origin: germline. Inheritance: Autosomal recessive inheritance. Affected: no. Observed: 1 variant allele.

Fulgent Genetics
Classification: Likely pathogenic for Progressive external ophthalmoplegia with mitochondrial DNA deletions, autosomal dominant 1; Progressive sclerosing poliodystrophy; Progressive external ophthalmoplegia with mitochondrial DNA deletions, autosomal recessive 1; Sensory ataxic neuropathy, dysarthria, and ophthalmoparesis; Mitochondrial DNA depletion syndrome 4b. Last evaluated: 2024-05-16. Review status: criteria provided, single submitter. Criteria: ACMG Guidelines, 2015. Collection method: clinical testing. Allele origin: germline.

Baylor Genetics
Classification: Pathogenic for Progressive sclerosing poliodystrophy. Last evaluated: 2024-03-13. Review status: criteria provided, single submitter. Criteria: ACMG Guidelines, 2015. Collection method: clinical testing. Allele origin: unknown.